The following is an entry in ClinVar:

NM_000245.4(MET):c.1527+5G>A

Gene: MET (MET proto-oncogene, receptor tyrosine kinase; plus strand). Cytogenetic location: 7q31.2.
Variant type: single nucleotide variant.
Coding change: c.1527+5G>A on transcript NM_000245.4 (MANE Select); 5 bases into the intron after coding-DNA position 1527, G replaced by A.
Molecular consequence: intron variant.
Genome position (GRCh38, 1-based): chr7:116,740,089, G>A. VCF-style: chr7-116740089-G-A. GRCh37 (hg19) VCF-style: chr7-116380143-G-A.
Other names: c.1527+5G>A (NM_001127500.3, NM_001324401.3); c.237+5G>A (NM_001324402.2).
Identifiers: ClinVar variation 1903509 (VCV001903509.5), dbSNP rs2116828607, ClinGen allele CA2580076245.
Genomic context (GRCh38, chr7:116,740,089, plus strand): 5'-TTGTGGAGCATACATTAAACCAAAATGGCTACACACTGGTTATCACTGGGAAGAAGGTAA[G>A]CTGTTCCCACAGGGAATTTCCATAGACGTGGTTTTTCCCAAATGCATATTTACAACCAGT-3'

ClinVar aggregate classification (germline): Uncertain significance (1 of 4 stars; one submission).

Conditions:
Renal cell carcinoma. Identifiers: Orphanet 217071, MedGen C0007134, MeSH D002292, MONDO:0005086, HP:0005584.

Submission:

Labcorp Genetics (formerly Invitae), Labcorp
Classification: Uncertain significance for Renal cell carcinoma. Last evaluated: 2022-06-23. Review status: criteria provided, single submitter. Criteria: Invitae Variant Classification Sherloc (09022015). Collection method: clinical testing. Allele origin: germline.
Comment: This sequence change falls in intron 4 of the MET gene. It does not directly change the encoded amino acid sequence of the MET protein. It affects a nucleotide within the consensus splice site. This variant is not present in population databases (gnomAD no frequency). This variant has not been reported in the literature in individuals affected with MET-related conditions. Variants that disrupt the consensus splice site are a relatively common cause of aberrant splicing (PMID: 17576681, 9536098). Algorithms developed to predict the effect of sequence changes on RNA splicing suggest that this variant is not likely to affect RNA splicing. In summary, the available evidence is currently insufficient to determine the role of this variant in disease. Therefore, it has been classified as a Variant of Uncertain Significance.

Literature cited by the submitters: PubMed 17576681; PubMed 9536098.